The following is an entry in ClinVar:

ClinVar aggregate classification (germline): Uncertain significance (1 of 4 stars; one submission).

Submission:

Labcorp Genetics (formerly Invitae), Labcorp
Classification: Uncertain significance. Last evaluated: 2024-10-14. Review status: criteria provided, single submitter. Criteria: Invitae Variant Classification Sherloc (09022015). Collection method: clinical testing. Allele origin: germline.
Comment: This sequence change replaces glycine, which is neutral and non-polar, with cysteine, which is neutral and slightly polar, at codon 453 of the COL7A1 protein (p.Gly453Cys). This variant also falls at the last nucleotide of exon 10, which is part of the consensus splice site for this exon. This variant is not present in population databases (gnomAD no frequency). This variant has not been reported in the literature in individuals affected with COL7A1-related conditions. Experimental studies and prediction algorithms are not available or were not evaluated, and the functional significance of this variant is currently unknown. Variants that disrupt the consensus splice site are a relatively common cause of aberrant splicing (PMID: 17576681, 9536098). Algorithms developed to predict the effect of sequence changes on RNA splicing suggest that this variant may disrupt the consensus splice site. In summary, the available evidence is currently insufficient to determine the role of this variant in disease. Therefore, it has been classified as a Variant of Uncertain Significance.

Literature cited by the submitters: PubMed 17576681; PubMed 9536098.

NM_000094.4(COL7A1):c.1357G>T (p.Gly453Cys)

Gene: COL7A1 (collagen type VII alpha 1 chain; minus strand). Cytogenetic location: 3p21.31.
Variant type: single nucleotide variant.
Coding change: c.1357G>T on transcript NM_000094.4 (MANE Select); coding-DNA position 1357, G replaced by T.
Protein change: p.Gly453Cys; replaces glycine 453 with cysteine.
Molecular consequence: missense variant.
Genome position (GRCh38, 1-based): chr3:48,591,898, C>A on the plus strand (G>T on the coding strand, the complement: COL7A1 is on the minus strand). VCF-style: chr3-48591898-C-A. GRCh37 (hg19) VCF-style: chr3-48629331-C-A.
Other names: short protein forms G453C.
Identifiers: ClinVar variation 3655929 (VCV003655929.2).
Genomic context (GRCh38, chr3:48,591,898, plus strand): 5'-GTCAGACCAGCAGAGGCCATGCCCTGACCCTTGCCTGTCCATCCCTTCCCCCGCACTGAC[C>A]AGTCTCACGCCGCCATTCCAACCGGTAGCCACGGGCCTCAGGCACCAAGTTCCAGGAAAG-3'
Protein context (NP_000085.1, residues 443-463): GYRLEWRRET[Gly453Cys]LEPPQKVVLP